The following is an entry in ClinVar:

NM_032977.4(CASP10):c.666A>G (p.Thr222=)

Gene: CASP10 (caspase 10; plus strand). Cytogenetic location: 2q33.1.
Variant type: single nucleotide variant.
Coding change: c.666A>G on transcript NM_032977.4 (MANE Select); coding-DNA position 666, A replaced by G.
Protein change: p.Thr222=; no amino-acid change (threonine 222 retained).
Molecular consequence: synonymous variant.
Genome position (GRCh38, 1-based): chr2:201,195,930, A>G. VCF-style: chr2-201195930-A-G. GRCh37 (hg19) VCF-style: chr2-202060653-A-G.
Other names: c.666A>G, p.Thr222= (NM_001206524.2, NM_001206542.2, NM_001230.5 and 3 more transcripts).
Identifiers: ClinVar variation 333429 (VCV000333429.13), dbSNP rs116125703, ClinGen allele CA2052942.

ClinVar aggregate classification (germline): Benign/Likely benign. Review status: criteria provided, multiple submitters, no conflicts (2 of 4 stars). 3 submissions from 3 submitters: Benign (2); Likely benign (1). Last evaluated 2025-12-27.

Conditions:
Autoimmune lymphoproliferative syndrome type 2A (ALPS2A). Also called: CASP10-Related Autoimmune Lymphoproliferative Syndrome; AUTOIMMUNE LYMPHOPROLIFERATIVE SYNDROME, TYPE IIA; Autoimmune lymphoproliferative syndrome type 2. Identifiers: Orphanet 3261, MedGen C1858968, MONDO:0011383, OMIM 603909.

Allele frequency attached by ClinVar (database versions not stated): gnomAD 0.00013 and 0.00018; TOPMed 0.00026; gnomAD exomes 0.00033; ExAC 0.00040; 1000 Genomes Project 0.00160; 1000 Genomes Project 30x 0.00187.
gnomAD v4.1: 156 of 1,613,374 alleles (0.0097%); highest among the groups gnomAD compares: East Asian, 0.29%; no homozygotes.

Submissions (3):

Labcorp Genetics (formerly Invitae), Labcorp
Classification: Benign for Autoimmune lymphoproliferative syndrome type 2A. Last evaluated: 2025-12-27. Review status: criteria provided, single submitter. Criteria: Invitae Variant Classification Sherloc (09022015). Collection method: clinical testing. Allele origin: germline.

Blueprint Genetics
Classification: Likely benign. Last evaluated: 2024-03-26. Review status: criteria provided, single submitter. Criteria: ACMG Guidelines, 2015. Collection method: clinical testing. Allele origin: germline.

Illumina Laboratory Services, Illumina
Classification: Benign for Autoimmune lymphoproliferative syndrome type 2A. Last evaluated: 2018-01-12. Review status: criteria provided, single submitter. Criteria: ICSL Variant Classification Criteria 13 December 2019. Collection method: clinical testing. Allele origin: germline.
Comment: This variant was observed in the ICSL laboratory as part of a predisposition screen in an ostensibly healthy population. It had not been previously curated by ICSL or reported in the Human Gene Mutation Database (HGMD: prior to June 1st, 2018), and was therefore a candidate for classification through an automated scoring system. Utilizing variant allele frequency, disease prevalence and penetrance estimates, and inheritance mode, an automated score was calculated to assess if this variant is too frequent to cause the disease. Based on the score and internal cut-off values, a variant classified as benign is not then subjected to further curation. The score for this variant resulted in a classification of benign for this disease.